The following is an entry in ClinVar:

ClinVar aggregate classification (germline): Likely pathogenic (1 of 4 stars; one submission).

Conditions:
Familial thoracic aortic aneurysm and aortic dissection (TAAD). Also called: Thoracic aortic aneurysms and dissections. Identifiers: Orphanet 91387, MedGen C4707243, MONDO:0019625.

Submission:

Ambry Genetics
Classification: Likely pathogenic for Familial thoracic aortic aneurysm and aortic dissection. Last evaluated: 2026-03-12. Review status: criteria provided, single submitter. Criteria: Ambry Variant Classification Scheme 2023. Collection method: clinical testing. Allele origin: germline.
Comment: The c.5027T>A (p.V1676D) alteration is located in coding exon 27 of the NOTCH1 gene. This alteration results from a T to A substitution at nucleotide position 5027, causing the valine (V) at amino acid position 1676 to be replaced by an aspartic acid (D). for NOTCH1-related leukoencephalopathy; however, its clinical significance for NOTCH1-related cardiovascular disorders is uncertain. This variant was not reported in population-based cohorts in the Genome Aggregation Database (gnomAD). This amino acid position is highly conserved in available vertebrate species. This alteration is predicted to be deleterious by in silico analysis. Based on the available evidence, this alteration is classified as likely pathogenic.

NM_017617.5(NOTCH1):c.5027T>A (p.Val1676Asp)

Gene: NOTCH1 (notch receptor 1; minus strand). Cytogenetic location: 9q34.3.
Variant type: single nucleotide variant.
Coding change: c.5027T>A on transcript NM_017617.5 (MANE Select); coding-DNA position 5027, T replaced by A.
Protein change: p.Val1676Asp; replaces valine 1676 with aspartic acid.
Molecular consequence: missense variant.
Genome position (GRCh38, 1-based): chr9:136,503,322, A>T on the plus strand (T>A on the coding strand, the complement: NOTCH1 is on the minus strand). VCF-style: chr9-136503322-A-T. GRCh37 (hg19) VCF-style: chr9-139397774-A-T.
Other names: short protein forms V1676D.
Identifiers: ClinVar variation 4828353 (VCV004828353.1).